The following is an entry in ClinVar:

ClinVar aggregate classification (germline): Pathogenic (1 of 4 stars; one submission).

Conditions:
Hereditary cancer-predisposing syndrome. Also called: Tumor predisposition; Hereditary neoplastic syndrome; Hereditary Cancer Syndrome; Neoplastic Syndromes, Hereditary. Identifiers: Orphanet 140162, MedGen C0027672, MeSH D009386, MONDO:0015356.

Submission:

Ambry Genetics
Classification: Pathogenic for Hereditary cancer-predisposing syndrome. Last evaluated: 2025-04-11. Review status: criteria provided, single submitter. Criteria: Ambry Variant Classification Scheme 2023. Collection method: clinical testing. Allele origin: germline.
Comment: The c.3279delA pathogenic mutation, located in coding exon 19 of the PTCH1 gene, results from a deletion of one nucleotide at nucleotide position 3279, causing a translational frameshift with a predicted alternate stop codon (p.V1094Wfs*12). This variant is considered to be rare based on population cohorts in the Genome Aggregation Database (gnomAD). This alteration is expected to result in loss of function by premature protein truncation or nonsense-mediated mRNA decay. As such, this alteration is interpreted as a disease-causing mutation.

NM_000264.5(PTCH1):c.3279del (p.Val1094fs)

Gene: PTCH1 (patched 1; minus strand). Cytogenetic location: 9q22.32.
Variant type: Deletion.
Coding change: c.3279del on transcript NM_000264.5 (MANE Select); coding-DNA position 3279, one base deleted (A; older notation c.3279delA).
Protein change: p.Val1094fs; shifts the reading frame from valine 1094.
Molecular consequence: frameshift variant. On other transcripts: non-coding transcript variant (1).
Genome position (GRCh38, 1-based): chr9:95,456,303, T deleted on the plus strand (A on the coding strand, the reverse complement: PTCH1 is on the minus strand). VCF-style (leftmost placement, unchanged base first): chr9-95456302-CT-C. GRCh37 (hg19) VCF-style: chr9-98218584-CT-C.
Other names: c.3081del, p.Val1028fs (NM_001083602.3); c.3276del, p.Val1093fs (NM_001083603.3); c.2826del, p.Val943fs (NM_001083604.3, NM_001083605.3, NM_001083606.3 and 1 more transcripts); c.3123del, p.Val1042fs (NM_001354918.2); short protein forms V1094fs, V943fs, V1042fs, V1028fs, V1093fs.
Identifiers: ClinVar variation 3939933 (VCV003939933.1).
Genomic context (GRCh38, chr9:95,456,302, plus strand): 5'-TTCACAAAGTTTTTGCTTCAAATGTCTCCCATACCAAAGCAACGTGAACGGTGAACTCCA[CT>C]CCTATGCCAACAGAAGCGATCAGGATGACCACGGGCACGGCACTGAGCTTGATTCCGATG-3'